The following is an entry in ClinVar:

NM_004329.3(BMPR1A):c.161A>C (p.Asp54Ala)

Gene: BMPR1A (bone morphogenetic protein receptor type 1A; plus strand). Cytogenetic location: 10q23.2.
Variant type: single nucleotide variant.
Coding change: c.161A>C on transcript NM_004329.3 (MANE Select); coding-DNA position 161, A replaced by C.
Protein change: p.Asp54Ala; replaces aspartic acid 54 with alanine.
Molecular consequence: missense variant. On other transcripts: non-coding transcript variant (3).
Genome position (GRCh38, 1-based): chr10:86,890,155, A>C. VCF-style: chr10-86890155-A-C. GRCh37 (hg19) VCF-style: chr10-88649912-A-C.
Other names: c.161A>C, p.Asp54Ala (NM_001406573.1, NM_001406574.1, NM_001406563.1 and 23 more transcripts); c.77A>C, p.Asp26Ala (NM_001406584.1, NM_001406585.1, NM_001406586.1 and 2 more transcripts); short protein forms D26A, D54A.
Identifiers: ClinVar variation 3992038 (VCV003992038.1).

ClinVar aggregate classification (germline): Uncertain significance (1 of 4 stars; one submission).

Conditions:
Hereditary cancer-predisposing syndrome. Also called: Tumor predisposition; Hereditary neoplastic syndrome; Neoplastic Syndromes, Hereditary; Hereditary Cancer Syndrome. Identifiers: Orphanet 140162, MedGen C0027672, MeSH D009386, MONDO:0015356.

Submission:

Ambry Genetics
Classification: Uncertain significance for Hereditary cancer-predisposing syndrome. Last evaluated: 2025-06-12. Review status: criteria provided, single submitter. Criteria: Ambry Variant Classification Scheme 2023. Collection method: clinical testing. Allele origin: germline.
Comment: The p.D54A variant (also known as c.161A>C), located in coding exon 2 of the BMPR1A gene, results from an A to C substitution at nucleotide position 161. The aspartic acid at codon 54 is replaced by alanine, an amino acid with dissimilar properties. This amino acid position is conserved. In addition, this alteration is predicted to be deleterious by in silico analysis. Based on the available evidence, the clinical significance of this variant remains unclear.